The following is an entry in ClinVar:

ClinVar aggregate classification (germline): Uncertain significance (1 of 4 stars; one submission).

Submission:

GeneDx
Classification: Uncertain significance. Last evaluated: 2022-12-19. Review status: criteria provided, single submitter. Criteria: GeneDx Variant Classification Process June 2021. Collection method: clinical testing. Allele origin: germline. Affected: yes.
Comment: Not observed at significant frequency in large population cohorts (gnomAD); In silico analysis supports that this missense variant has a deleterious effect on protein structure/function; Has not been previously published as pathogenic or benign to our knowledge

NM_012199.5(AGO1):c.521C>T (p.Pro174Leu)

Gene: AGO1 (argonaute RISC component 1; plus strand). Cytogenetic location: 1p34.3.
Variant type: single nucleotide variant.
Coding change: c.521C>T on transcript NM_012199.5 (MANE Select); coding-DNA position 521, C replaced by T.
Protein change: p.Pro174Leu; replaces proline 174 with leucine.
Molecular consequence: missense variant.
Genome position (GRCh38, 1-based): chr1:35,893,682, C>T. VCF-style: chr1-35893682-C-T. GRCh37 (hg19) VCF-style: chr1-36359283-C-T.
Other names: c.521C>T, p.Pro174Leu (NM_001317122.2); c.296C>T, p.Pro99Leu (NM_001317123.2); short protein forms P174L, P99L.
Identifiers: ClinVar variation 2505660 (VCV002505660.1), dbSNP rs2523840241, ClinGen allele CA339367059.